The following is an entry in ClinVar:

ClinVar aggregate classification (germline): Uncertain significance (1 of 4 stars; one submission).

Submission:

GeneDx
Classification: Uncertain significance. Last evaluated: 2024-12-27. Review status: criteria provided, single submitter. Criteria: GeneDx Variant Classification Process June 2021. Collection method: clinical testing. Allele origin: germline. Affected: yes.
Comment: Not observed at significant frequency in large population cohorts (gnomAD); In-frame duplication of 1 amino acid in a non-repeat region; Has not been previously published as pathogenic or benign to our knowledge

NM_019066.5(MAGEL2):c.1487_1488insACC (p.Pro499dup)

Gene: MAGEL2 (MAGE family member L2; minus strand). Cytogenetic location: 15q11.2.
Variant type: Insertion.
Coding change: c.1487_1488insACC on transcript NM_019066.5 (MANE Select); coding-DNA positions 1487 to 1488, ACC inserted.
Protein change: p.Pro499dup; duplicates proline 499.
Molecular consequence: inframe insertion.
Genome position: GRCh38 VCF-style: chr15-23646255-C-CGGT. GRCh37 (hg19) VCF-style: chr15-23891402-C-CGGT.
Identifiers: ClinVar variation 1309376 (VCV001309376.3), dbSNP rs2140715888, ClinGen allele CA2573053971.